The following is an entry in ClinVar:

ClinVar aggregate classification (germline): Likely benign. Review status: criteria provided, multiple submitters, no conflicts (2 of 4 stars). 5 submissions from 5 submitters: Likely benign (4). 1 of the submissions does not count toward it. Last evaluated 2025-08-25.

Conditions:
Inborn genetic diseases. Identifiers: MedGen C0950123, MeSH D030342.
Fanconi anemia (FA). Also called: Fanconi's anemia. Identifiers: Orphanet 84, MedGen C0015625, MeSH D005199, MONDO:0019391.
Fanconi anemia complementation group A (FANCA). Also called: Fanconi anemia, group A; FANCA-Related Fanconi Anemia. Identifiers: Orphanet 84, MedGen C3469521, MONDO:0009215, OMIM 227650.
FANCA-related disorder. Also called: FANCA-related condition.

Allele frequency attached by ClinVar (database versions not stated): gnomAD 0.00001; gnomAD exomes 0.00001; TOPMed 0.00001.
gnomAD v4.1: 5 of 1,613,266 alleles (0.00031%); highest among the groups gnomAD compares: Non-Finnish European, 0.00042%; no homozygotes.

Submissions (5):

Labcorp Genetics (formerly Invitae), Labcorp
Classification: Likely benign for Fanconi anemia. Last evaluated: 2025-08-25. Review status: criteria provided, single submitter. Criteria: Invitae Variant Classification Sherloc (09022015). Collection method: clinical testing. Allele origin: germline.

Ambry Genetics
Classification: Likely benign for Inborn genetic diseases. Last evaluated: 2025-02-08. Review status: criteria provided, single submitter. Criteria: Ambry Variant Classification Scheme 2023. Collection method: clinical testing. Allele origin: germline.

Blueprint Genetics
Classification: Likely benign. Last evaluated: 2024-09-12. Review status: criteria provided, single submitter. Criteria: ACMG Guidelines, 2015. Collection method: clinical testing. Allele origin: germline.

Fulgent Genetics
Classification: Likely benign for Fanconi anemia complementation group A. Last evaluated: 2022-04-10. Review status: criteria provided, single submitter. Criteria: ACMG Guidelines, 2015. Collection method: clinical testing. Allele origin: unknown.

PreventionGenetics, part of Exact Sciences
Classification: Likely benign for FANCA-related condition. Last evaluated: 2021-04-08. Review status: no assertion criteria provided. Collection method: clinical testing. Allele origin: germline. Not counted in ClinVar's aggregate classification.
Comment: This variant is classified as likely benign based on ACMG/AMP sequence variant interpretation guidelines (Richards et al. 2015 PMID: 25741868, with internal and published modifications).

NM_000135.4(FANCA):c.207T>C (p.Cys69=)

Gene: FANCA (FA complementation group A; minus strand). Cytogenetic location: 16q24.3.
Variant type: single nucleotide variant.
Coding change: c.207T>C on transcript NM_000135.4 (MANE Select); coding-DNA position 207, T replaced by C.
Protein change: p.Cys69=; no amino-acid change (cysteine 69 retained).
Molecular consequence: synonymous variant.
Genome position (GRCh38, 1-based): chr16:89,814,596, A>G on the plus strand (T>C on the coding strand, the complement: FANCA is on the minus strand). VCF-style: chr16-89814596-A-G. GRCh37 (hg19) VCF-style: chr16-89881004-A-G.
Other names: c.207T>C (NM_000135.2); c.207T>C, p.Cys69= (NM_001018112.3, NM_001286167.3, NM_001351830.2).
Identifiers: ClinVar variation 1643370 (VCV001643370.13), dbSNP rs941660593, ClinGen allele CA286611071.